The following is an entry in ClinVar:

ClinVar aggregate classification (germline): Conflicting classifications of pathogenicity. Review status: criteria provided, conflicting classifications (1 of 4 stars). 6 submissions from 6 submitters: Uncertain significance (3); Likely benign (3). Last evaluated 2026-01-16.

Conditions:
Hereditary cancer-predisposing syndrome. Also called: Neoplastic Syndromes, Hereditary; Tumor predisposition; Hereditary Cancer Syndrome; Hereditary neoplastic syndrome. Identifiers: Orphanet 140162, MedGen C0027672, MeSH D009386, MONDO:0015356.
Basal cell carcinoma, susceptibility to, 1. Also called: BCC1. Identifiers: MedGen C2751544, MONDO:0011556, OMIM 605462.
Gorlin syndrome. Also called: Nevoid Basal Cell Carcinoma Syndrome; Basal cell nevus syndrome. Identifiers: Orphanet 377, MedGen C0004779, MONDO:0007187.
Holoprosencephaly 7 (HPE7). Identifiers: Orphanet 2162, MedGen C1835820, MONDO:0012562, OMIM 610828.
PTCH1-related disorder. Also called: PTCH1-related disorders; PTCH1-related condition.

Allele frequency attached by ClinVar (database versions not stated): ExAC 0.00004; gnomAD exomes 0.00004 and 0.00008; TOPMed 0.00006; gnomAD 0.00007.
gnomAD v4.1: 121 of 1,613,998 alleles (0.0075%); highest among the groups gnomAD compares: Non-Finnish European, 0.01%; no homozygotes.

Submissions (6):

Labcorp Genetics (formerly Invitae), Labcorp
Classification: Likely benign for Gorlin syndrome. Last evaluated: 2026-01-16. Review status: criteria provided, single submitter. Criteria: Invitae Variant Classification Sherloc (09022015). Collection method: clinical testing. Allele origin: germline.

PreventionGenetics, part of Exact Sciences
Classification: Likely benign for PTCH1-related condition. Last evaluated: 2025-12-23. Review status: criteria provided, single submitter. Criteria: ACMG Guidelines, 2015. Collection method: clinical testing. Allele origin: germline.
Comment: This variant is classified as likely benign based on ACMG/AMP sequence variant interpretation guidelines (Richards et al. 2015 PMID: 25741868, with internal and published modifications).

Quest Diagnostics Nichols Institute San Juan Capistrano
Classification: Uncertain significance. Last evaluated: 2025-07-09. Review status: criteria provided, single submitter. Criteria: Quest Diagnostics criteria. Collection method: clinical testing. Allele origin: unknown.
Comment: The PTCH1 c.3734A>G (p.Gln1245Arg) variant has not been reported in individuals with PTCH1-related conditions in the published literature. The frequency of this variant in the general population (Genome Aggregation Database) is higher than would generally be expected for pathogenic variants in this gene. Analysis of this variant using bioinformatics tools for the prediction of the effect of amino acid changes on protein structure and function yielded predictions that this variant is benign. Based on the available information, we are unable to determine the clinical significance of this variant.

GeneDx
Classification: Uncertain significance. Last evaluated: 2023-05-01. Review status: criteria provided, single submitter. Criteria: GeneDx Variant Classification Process June 2021. Collection method: clinical testing. Allele origin: germline. Affected: yes.
Comment: In silico analysis supports that this missense variant does not alter protein structure/function; Has not been previously published as pathogenic or benign to our knowledge; This variant is associated with the following publications: (PMID: 29338072)

Ambry Genetics
Classification: Likely benign for Hereditary cancer-predisposing syndrome. Last evaluated: 2020-12-28. Review status: criteria provided, single submitter. Criteria: Ambry Variant Classification Scheme 2023. Collection method: clinical testing. Allele origin: germline.

Fulgent Genetics
Classification: Uncertain significance for Basal cell nevus syndrome 1; Basal cell carcinoma, susceptibility to, 1; Holoprosencephaly 7. Last evaluated: 2018-10-31. Review status: criteria provided, single submitter. Criteria: ACMG Guidelines, 2015. Collection method: clinical testing. Allele origin: unknown.

NM_000264.5(PTCH1):c.3734A>G (p.Gln1245Arg)

Gene: PTCH1 (patched 1; minus strand). Cytogenetic location: 9q22.32.
Variant type: single nucleotide variant.
Coding change: c.3734A>G on transcript NM_000264.5 (MANE Select); coding-DNA position 3734, A replaced by G.
Protein change: p.Gln1245Arg; replaces glutamine 1245 with arginine.
Molecular consequence: missense variant. On other transcripts: non-coding transcript variant (1).
Genome position (GRCh38, 1-based): chr9:95,449,139, T>C on the plus strand (A>G on the coding strand, the complement: PTCH1 is on the minus strand). VCF-style: chr9-95449139-T-C. GRCh37 (hg19) VCF-style: chr9-98211421-T-C.
Other names: c.3536A>G, p.Gln1179Arg (NM_001083602.3); c.3731A>G, p.Gln1244Arg (NM_001083603.3); c.3281A>G, p.Gln1094Arg (NM_001083604.3, NM_001083605.3, NM_001083606.3 and 1 more transcripts); c.3578A>G, p.Gln1193Arg (NM_001354918.2); c.3734A>G (NM_000264.4); short protein forms Q1179R, Q1245R, Q1193R, Q1244R, Q1094R.
Identifiers: ClinVar variation 409208 (VCV000409208.20), dbSNP rs767792734, ClinGen allele CA5138077.